The following is an entry in ClinVar:

ClinVar aggregate classification (germline): Benign/Likely benign. Review status: criteria provided, multiple submitters, no conflicts (2 of 4 stars). 3 submissions from 3 submitters: Benign (2); Likely benign (1). Last evaluated 2022-04-01.

Allele frequency attached by ClinVar (database versions not stated): 1000 Genomes Project 0.00260; 1000 Genomes Project 30x 0.00265; TOPMed 0.00512; ExAC 0.00557; gnomAD exomes 0.00604; gnomAD 0.00636 and 0.00652; ESP Exome Variant Server 0.00707.
gnomAD v4.1: 13,306 of 1,613,310 alleles (0.82%); highest among the groups gnomAD compares: Non-Finnish European, 0.94%; 73 homozygotes.

Submissions (3):

CeGaT Center for Human Genetics Tuebingen
Classification: Likely benign. Last evaluated: 2022-04-01. Review status: criteria provided, single submitter. Criteria: CeGaT Center For Human Genetics Tuebingen Variant Classification Criteria Version 2. Collection method: clinical testing. Allele origin: germline. Affected: yes. Observed: 1 variant allele.
Comment: PIAS4: BP4, BP7

Labcorp Genetics (formerly Invitae), Labcorp
Classification: Benign. Last evaluated: 2018-06-27. Review status: criteria provided, single submitter. Criteria: Invitae Variant Classification Sherloc (09022015). Collection method: clinical testing. Allele origin: germline.

Breakthrough Genomics
Classification: Benign. Review status: criteria provided, single submitter. Criteria: ACMG Guidelines, 2015. Collection method: not provided. Allele origin: germline. Inheritance: Unknown mechanism. Affected: yes.

NM_015897.4(PIAS4):c.369C>T (p.Pro123=)

Gene: PIAS4 (protein inhibitor of activated STAT 4; plus strand). Cytogenetic location: 19p13.3.
Variant type: single nucleotide variant.
Coding change: c.369C>T on transcript NM_015897.4 (MANE Select); coding-DNA position 369, C replaced by T.
Protein change: p.Pro123=; no amino-acid change (proline 123 retained).
Molecular consequence: synonymous variant.
Genome position (GRCh38, 1-based): chr19:4,013,264, C>T. VCF-style: chr19-4013264-C-T. GRCh37 (hg19) VCF-style: chr19-4013262-C-T.
Identifiers: ClinVar variation 771210 (VCV000771210.28), dbSNP rs144565099, ClinGen allele CA9089718.